The following is an entry in ClinVar:

NM_000540.3(RYR1):c.165+5G>A

Gene: RYR1 (ryanodine receptor 1; plus strand). Cytogenetic location: 19q13.2.
Variant type: single nucleotide variant.
Coding change: c.165+5G>A on transcript NM_000540.3 (MANE Select); 5 bases into the intron after coding-DNA position 165, G replaced by A.
Molecular consequence: intron variant.
Genome position (GRCh38, 1-based): chr19:38,440,869, G>A. VCF-style: chr19-38440869-G-A. GRCh37 (hg19) VCF-style: chr19-38931509-G-A.
Other names: c.165+5G>A (NM_001042723.2).
Identifiers: ClinVar variation 1016329 (VCV001016329.6), dbSNP rs371043203, ClinGen allele CA062234.

ClinVar aggregate classification (germline): Uncertain significance. Review status: criteria provided, multiple submitters, no conflicts (2 of 4 stars). 3 submissions from 3 submitters: Uncertain significance (3). Last evaluated 2025-05-30.

Conditions:
RYR1-related disorder. Also called: RYR1-related disorders; RYR1-related condition. Identifiers: MedGen CN239331.
Malignant hyperthermia, susceptibility to, 1 (MHS1). Also called: Malignant hyperthermia suceptibility 1; RYR1-Related Malignant Hyperthermia Susceptibility; Anesthesia related hyperthermia; Malignant hyperpyrexia; Fulminating hyperpyrexia; Pharmacogenic myopathy. Identifiers: Orphanet 423, MedGen C2930980, MONDO:0007783, OMIM 145600.

Allele frequency attached by ClinVar (database versions not stated): gnomAD exomes below 0.00001 and 0.00001; ExAC 0.00002; gnomAD 0.00003; TOPMed 0.00003; ESP Exome Variant Server 0.00015.
gnomAD v4.1: 7 of 1,610,172 alleles (0.00043%); highest among the groups gnomAD compares: African/African-American, 0.0093%; no homozygotes.

Submissions (3):

Color Diagnostics, LLC DBA Color Health
Classification: Uncertain significance for Malignant hyperthermia, susceptibility to, 1. Last evaluated: 2025-05-30. Review status: criteria provided, single submitter. Criteria: ACMG Guidelines, 2015. Collection method: clinical testing. Allele origin: germline.
Comment: This variant causes a G to A nucleotide substitution at the +5 position of intron 2 of the RYR1 gene. Splice site prediction tools predict that this variant may have a significant impact on RNA splicing. To our knowledge, RNA studies have not been reported for this variant. This variant has not been reported in individuals affected with RYR1-related disorders in the literature. This variant has been identified in 4/274668 chromosomes in the general population by the Genome Aggregation Database (gnomAD). The available evidence is insufficient to determine the role of this variant in disease conclusively. Therefore, this variant is classified as a Variant of Uncertain Significance.

Labcorp Genetics (formerly Invitae), Labcorp
Classification: Uncertain significance for RYR1-related disorder. Last evaluated: 2024-11-29. Review status: criteria provided, single submitter. Criteria: Invitae Variant Classification Sherloc (09022015). Collection method: clinical testing. Allele origin: germline.
Comment: This sequence change falls in intron 2 of the RYR1 gene. It does not directly change the encoded amino acid sequence of the RYR1 protein. It affects a nucleotide within the consensus splice site. This variant is present in population databases (rs371043203, gnomAD 0.02%). This variant has not been reported in the literature in individuals affected with RYR1-related conditions. ClinVar contains an entry for this variant (Variation ID: 1016329). Variants that disrupt the consensus splice site are a relatively common cause of aberrant splicing (PMID: 17576681, 9536098). Algorithms developed to predict the effect of sequence changes on RNA splicing suggest that this variant is not likely to affect RNA splicing. In summary, the available evidence is currently insufficient to determine the role of this variant in disease. Therefore, it has been classified as a Variant of Uncertain Significance.

GeneDx
Classification: Uncertain significance. Last evaluated: 2022-10-20. Review status: criteria provided, single submitter. Criteria: GeneDx Variant Classification Process June 2021. Collection method: clinical testing. Allele origin: germline. Affected: yes.
Comment: In silico analysis supports that this variant does not alter splicing; This variant is associated with the following publications: (PMID: 17576681, 9536098, 33800913)

Literature cited by the submitters: PubMed 17576681 (cited by Labcorp Genetics (formerly Invitae), Labcorp); PubMed 9536098 (cited by Labcorp Genetics (formerly Invitae), Labcorp).